The following is an entry in ClinVar:

ClinVar aggregate classification (germline): Uncertain significance. Review status: criteria provided, multiple submitters, no conflicts (2 of 4 stars). 3 submissions from 3 submitters: Uncertain significance (3). Last evaluated 2023-05-23.

Conditions:
Autoinflammatory syndrome. Identifiers: Orphanet 93665, MedGen C3890737, MONDO:0019751.
STING-associated vasculopathy with onset in infancy. Also called: Sting-associated vasculopathy, infantile-onset. Identifiers: Orphanet 425120, MedGen C4014722, MONDO:0014405, OMIM 615934.

Allele frequency attached by ClinVar (database versions not stated): gnomAD 0.00002; TOPMed 0.00002; gnomAD exomes 0.00004; ESP Exome Variant Server 0.00008; ExAC 0.00004.

Submissions (3):

Labcorp Genetics (formerly Invitae), Labcorp
Classification: Uncertain significance for STING-associated vasculopathy with onset in infancy. Last evaluated: 2023-05-23. Review status: criteria provided, single submitter. Criteria: Invitae Variant Classification Sherloc (09022015). Collection method: clinical testing. Allele origin: germline.
Comment: In summary, the available evidence is currently insufficient to determine the role of this variant in disease. Therefore, it has been classified as a Variant of Uncertain Significance. Algorithms developed to predict the effect of missense changes on protein structure and function output the following: SIFT: "Not Available"; PolyPhen-2: "Benign"; Align-GVGD: "Not Available". The valine amino acid residue is found in multiple mammalian species, which suggests that this missense change does not adversely affect protein function. ClinVar contains an entry for this variant (Variation ID: 1303166). This sequence change replaces alanine, which is neutral and non-polar, with valine, which is neutral and non-polar, at codon 350 of the TMEM173 protein (p.Ala350Val). This variant is present in population databases (rs143322684, gnomAD 0.006%). This variant has not been reported in the literature in individuals affected with TMEM173-related conditions.

Genome Diagnostics Laboratory, The Hospital for Sick Children
Classification: Uncertain significance for Autoinflammatory syndrome. Last evaluated: 2019-12-01. Review status: criteria provided, single submitter. Criteria: ACMG Guidelines, 2015. Collection method: clinical testing. Allele origin: germline. Affected: yes.

GeneDx
Classification: Uncertain significance. Last evaluated: 2019-09-12. Review status: criteria provided, single submitter. Criteria: GeneDx Variant Classification Process June 2021. Collection method: clinical testing. Allele origin: germline. Affected: yes.
Comment: In silico analysis, which includes protein predictors and evolutionary conservation, supports that this variant does not alter protein structure/function; Has not been previously published as pathogenic or benign to our knowledge

NM_198282.4(STING1):c.1049C>T (p.Ala350Val)

Gene: STING1 (stimulator of interferon response cGAMP interactor 1; minus strand). Cytogenetic location: 5q31.2.
Variant type: single nucleotide variant.
Coding change: c.1049C>T on transcript NM_198282.4 (MANE Select); coding-DNA position 1049, C replaced by T.
Protein change: p.Ala350Val; replaces alanine 350 with valine.
Molecular consequence: missense variant. On other transcripts: 3 prime UTR variant (1).
Genome position (GRCh38, 1-based): chr5:139,476,352, G>A on the plus strand (C>T on the coding strand, the complement: STING1 is on the minus strand). VCF-style: chr5-139476352-G-A. GRCh37 (hg19) VCF-style: chr5-138855937-G-A.
Other names: c.*10C>T (NM_001301738.2); c.692C>T, p.Ala231Val (NM_001367258.1); short protein forms A231V, A350V.
Identifiers: ClinVar variation 1303166 (VCV001303166.12), dbSNP rs143322684, ClinGen allele CA3435244.